The following is an entry in ClinVar:

ClinVar aggregate classification (germline): Uncertain significance (1 of 4 stars; one submission).

Conditions:
Hepatic methionine adenosyltransferase deficiency. Also called: MAT I/III DEFICIENCY; Deficiency of methionine adenosyltransferase; Isolated Persistent Hypermethioninemia; Methionine adenosyltransferase deficiency. Identifiers: Orphanet 168598, MedGen C0268621, MeSH C564683, MONDO:0009607, OMIM 250850.

Submission:

Labcorp Genetics (formerly Invitae), Labcorp
Classification: Uncertain significance for Hepatic methionine adenosyltransferase deficiency. Last evaluated: 2022-06-08. Review status: criteria provided, single submitter. Criteria: Invitae Variant Classification Sherloc (09022015). Collection method: clinical testing. Allele origin: germline.
Comment: This sequence change replaces aspartic acid, which is acidic and polar, with valine, which is neutral and non-polar, at codon 179 of the MAT1A protein (p.Asp179Val). This variant is not present in population databases (gnomAD no frequency). In summary, the available evidence is currently insufficient to determine the role of this variant in disease. Therefore, it has been classified as a Variant of Uncertain Significance. Algorithms developed to predict the effect of missense changes on protein structure and function are either unavailable or do not agree on the potential impact of this missense change (SIFT: "Deleterious"; PolyPhen-2: "Probably Damaging"; Align-GVGD: "Class C15"). This variant has not been reported in the literature in individuals affected with MAT1A-related conditions.

NM_000429.3(MAT1A):c.536A>T (p.Asp179Val)

Gene: MAT1A (methionine adenosyltransferase 1A; minus strand). Cytogenetic location: 10q22.3.
Variant type: single nucleotide variant.
Coding change: c.536A>T on transcript NM_000429.3 (MANE Select); coding-DNA position 536, A replaced by T.
Protein change: p.Asp179Val; replaces aspartic acid 179 with valine.
Molecular consequence: missense variant.
Genome position (GRCh38, 1-based): chr10:80,280,186, T>A on the plus strand (A>T on the coding strand, the complement: MAT1A is on the minus strand). VCF-style: chr10-80280186-T-A. GRCh37 (hg19) VCF-style: chr10-82039942-T-A.
Other names: short protein forms D179V.
Identifiers: ClinVar variation 2003423 (VCV002003423.4), dbSNP rs2492495891, ClinGen allele CA377362618.